The following is an entry in ClinVar:

NM_001136472.2(LITAF):c.*52T>A

Gene: LITAF (lipopolysaccharide induced TNF factor; minus strand). Cytogenetic location: 16p13.13.
Variant type: single nucleotide variant.
Coding change: c.*52T>A on transcript NM_001136472.2 (MANE Select); 52 bases downstream of the stop codon, T replaced by A.
Molecular consequence: 3 prime UTR variant. On other transcripts: non-coding transcript variant (1).
Genome position (GRCh38, 1-based): chr16:11,549,585, A>T on the plus strand (T>A on the coding strand, the complement: LITAF is on the minus strand). VCF-style: chr16-11549585-A-T. GRCh37 (hg19) VCF-style: chr16-11643441-A-T.
Other names: c.*177T>A (NM_001136473.1); c.*52T>A (NM_004862.4).
Identifiers: ClinVar variation 3339661 (VCV003339661.1).

ClinVar aggregate classification (germline): Uncertain significance (1 of 4 stars; one submission).

gnomAD v4.1: 38 of 1,343,364 alleles (0.0028%); highest among the groups gnomAD compares: Non-Finnish European, 0.004%; no homozygotes.

Submission:

Women's Health and Genetics/Laboratory Corporation of America, LabCorp
Classification: Uncertain significance. Last evaluated: 2024-06-10. Review status: criteria provided, single submitter. Criteria: LabCorp Variant Classification Summary - May 2015. Collection method: clinical testing. Allele origin: germline.
Comment: Variant summary: LITAF c.*52T>A is located in the untranslated mRNA region downstream of the termination codon. The variant allele was found at a frequency of 2.5e-05 in 197300 control chromosomes. The available data on variant occurrences in the general population are insufficient to allow any conclusion about variant significance. To our knowledge, no occurrence of c.*52T>A in individuals affected with Charcot-Marie Disease Type 1C and no experimental evidence demonstrating its impact on protein function have been reported. No submitters have cited clinical-significance assessments for this variant to ClinVar. Based on the evidence outlined above, the variant was classified as uncertain significance.